The following is an entry in ClinVar:

ClinVar aggregate classification (germline): Uncertain significance (1 of 4 stars; one submission).

Allele frequency attached by ClinVar (database versions not stated): gnomAD exomes below 0.00001.
gnomAD v4.1: 2 of 1,614,078 alleles (0.00012%); highest among the groups gnomAD compares: Admixed American, 0.0033%; no homozygotes.

Submission:

Labcorp Genetics (formerly Invitae), Labcorp
Classification: Uncertain significance. Last evaluated: 2022-04-11. Review status: criteria provided, single submitter. Criteria: Invitae Variant Classification Sherloc (09022015). Collection method: clinical testing. Allele origin: germline.
Comment: This variant has not been reported in the literature in individuals affected with ADCY5-related conditions. In summary, the available evidence is currently insufficient to determine the role of this variant in disease. Therefore, it has been classified as a Variant of Uncertain Significance. Advanced modeling of protein sequence and biophysical properties (such as structural, functional, and spatial information, amino acid conservation, physicochemical variation, residue mobility, and thermodynamic stability) performed at Invitae indicates that this missense variant is expected to disrupt ADCY5 protein function. This variant is present in population databases (no rsID available, gnomAD 0.003%). This sequence change replaces alanine, which is neutral and non-polar, with glycine, which is neutral and non-polar, at codon 534 of the ADCY5 protein (p.Ala534Gly).

NM_183357.3(ADCY5):c.1601C>G (p.Ala534Gly)

Gene: ADCY5 (adenylate cyclase 5; minus strand). Cytogenetic location: 3q21.1.
Variant type: single nucleotide variant.
Coding change: c.1601C>G on transcript NM_183357.3 (MANE Select); coding-DNA position 1601, C replaced by G.
Protein change: p.Ala534Gly; replaces alanine 534 with glycine.
Molecular consequence: missense variant.
Genome position (GRCh38, 1-based): chr3:123,330,934, G>C on the plus strand (C>G on the coding strand, the complement: ADCY5 is on the minus strand). VCF-style: chr3-123330934-G-C. GRCh37 (hg19) VCF-style: chr3-123049781-G-C.
Other names: c.551C>G, p.Ala184Gly (NM_001199642.1); c.1601C>G, p.Ala534Gly (NM_001378259.1); short protein forms A184G, A534G.
Identifiers: ClinVar variation 2124731 (VCV002124731.4), dbSNP rs1307196542, ClinGen allele CA354219868.